The following is an entry in ClinVar:

ClinVar aggregate classification (germline): Uncertain significance (1 of 4 stars; one submission).

Conditions:
Hereditary pancreatitis (PCTT). Also called: Hereditary chronic pancreatitis; PRSS1-Related Hereditary Pancreatitis. Identifiers: Orphanet 676, MedGen C0238339, MONDO:0008185, OMIM 167800.

Allele frequency attached by ClinVar (database versions not stated): gnomAD 0.00002.
gnomAD v4.1: 3 of 1,608,626 alleles (0.00019%); highest among the groups gnomAD compares: African/African-American, 0.0041%; no homozygotes.

Submission:

Ambry Genetics
Classification: Uncertain significance for Hereditary pancreatitis. Last evaluated: 2024-05-09. Review status: criteria provided, single submitter. Criteria: Ambry Variant Classification Scheme 2023. Collection method: clinical testing. Allele origin: germline.
Comment: The p.N89H variant (also known as c.265A>C), located in coding exon 3 of the PRSS1 gene, results from an A to C substitution at nucleotide position 265. The asparagine at codon 89 is replaced by histidine, an amino acid with similar properties. This amino acid position is conserved. In addition, this alteration is predicted to be tolerated by in silico analysis. Since supporting evidence is limited at this time, the clinical significance of this alteration remains unclear.

NM_002769.5(PRSS1):c.265A>C (p.Asn89His)

Genes: TRB (T cell receptor beta locus; plus strand), PRSS1 (serine protease 1; plus strand). Cytogenetic location: 7q34.
Variant type: single nucleotide variant.
Coding change: c.265A>C on transcript NM_002769.5 (MANE Select); coding-DNA position 265, A replaced by C.
Protein change: p.Asn89His; replaces asparagine 89 with histidine.
Molecular consequence: missense variant. On other transcripts: non-coding transcript variant (4).
Genome position (GRCh38, 1-based): chr7:142,751,838, A>C. VCF-style: chr7-142751838-A-C. GRCh37 (hg19) VCF-style: chr7-142459689-A-C.
Other names: short protein forms N89H.
Identifiers: ClinVar variation 1794418 (VCV001794418.3), dbSNP rs755816580, ClinGen allele CA369608582.